The following is an entry in ClinVar:

NM_000400.4(ERCC2):c.1669A>C (p.Ile557Leu)

Gene: ERCC2 (ERCC excision repair 2, TFIIH core complex helicase subunit; minus strand). Cytogenetic location: 19q13.32.
Variant type: single nucleotide variant.
Coding change: c.1669A>C on transcript NM_000400.4 (MANE Select); coding-DNA position 1669, A replaced by C.
Protein change: p.Ile557Leu; replaces isoleucine 557 with leucine.
Molecular consequence: missense variant.
Genome position (GRCh38, 1-based): chr19:45,353,331, T>G on the plus strand (A>C on the coding strand, the complement: ERCC2 is on the minus strand). VCF-style: chr19-45353331-T-G. GRCh37 (hg19) VCF-style: chr19-45856589-T-G.
Other names: short protein forms I557L.
Identifiers: ClinVar variation 3509843 (VCV003509843.1).

ClinVar aggregate classification (germline): Uncertain significance (1 of 4 stars; one submission).

Conditions:
Inborn genetic diseases. Identifiers: MedGen C0950123, MeSH D030342.

gnomAD v4.1: 1 of 1,613,208 alleles (0.000062%); highest among the groups gnomAD compares: Non-Finnish European, 0.000085%; no homozygotes.

Submission:

Ambry Genetics
Classification: Uncertain significance for Inborn genetic diseases. Last evaluated: 2024-08-18. Review status: criteria provided, single submitter. Criteria: Ambry Variant Classification Scheme 2023. Collection method: clinical testing. Allele origin: germline.
Comment: The p.I557L variant (also known as c.1669A>C), located in coding exon 18 of the ERCC2 gene, results from an A to C substitution at nucleotide position 1669. The isoleucine at codon 557 is replaced by leucine, an amino acid with highly similar properties. This amino acid position is conserved. In addition, the in silico prediction for this alteration is inconclusive. Based on the available evidence, the clinical significance of this variant remains unclear.